The following is an entry in ClinVar:

NM_018699.4(PRDM5):c.1453G>A (p.Gly485Arg)

Gene: PRDM5 (PR/SET domain 5; minus strand). Cytogenetic location: 4q27.
Variant type: single nucleotide variant.
Coding change: c.1453G>A on transcript NM_018699.4 (MANE Select); coding-DNA position 1453, G replaced by A.
Protein change: p.Gly485Arg; replaces glycine 485 with arginine.
Molecular consequence: missense variant.
Genome position (GRCh38, 1-based): chr4:120,777,272, C>T on the plus strand (G>A on the coding strand, the complement: PRDM5 is on the minus strand). VCF-style: chr4-120777272-C-T. GRCh37 (hg19) VCF-style: chr4-121698427-C-T.
Other names: c.1360G>A, p.Gly454Arg (NM_001300823.2, NM_001300824.2, NM_001379106.1); c.1486G>A, p.Gly496Arg (NM_001379104.1); short protein forms G454R, G485R, G496R.
Identifiers: ClinVar variation 4848496 (VCV004848496.1).

ClinVar aggregate classification (germline): Uncertain significance (1 of 4 stars; one submission).

gnomAD v4.1: 1 of 1,613,282 alleles (0.000062%); highest among the groups gnomAD compares: Non-Finnish European, 0.000085%; no homozygotes.

Submission:

Women's Health and Genetics/Laboratory Corporation of America, LabCorp
Classification: Uncertain significance. Last evaluated: 2026-04-16. Review status: criteria provided, single submitter. Criteria: LabCorp Variant Classification Summary - May 2015. Collection method: clinical testing. Allele origin: germline.
Comment: Variant summary: PRDM5 c.1453G>A (p.Gly485Arg) results in a non-conservative amino acid change in the encoded protein sequence. Algorithms developed to predict the effect of missense changes on protein structure and function are either unavailable or do not agree on the potential impact of this missense change. The variant was absent in 250800 control chromosomes. The available data on variant occurrences in the general population are insufficient to allow any conclusion about variant significance. To our knowledge, no occurrence of c.1453G>A in individuals affected with PRDM5-related conditions and no experimental evidence demonstrating its impact on protein function have been reported. No submitters have cited clinical-significance assessments for this variant to ClinVar. Based on the evidence outlined above, the variant was classified as uncertain significance.